The following is an entry in ClinVar:

NM_006019.4(TCIRG1):c.2060A>C (p.Asn687Thr)

Gene: TCIRG1 (T cell immune regulator 1, ATPase H+ transporting V0 subunit a3; plus strand). Cytogenetic location: 11q13.2.
Variant type: single nucleotide variant.
Coding change: c.2060A>C on transcript NM_006019.4 (MANE Select); coding-DNA position 2060, A replaced by C.
Protein change: p.Asn687Thr; replaces asparagine 687 with threonine.
Molecular consequence: missense variant.
Genome position (GRCh38, 1-based): chr11:68,050,008, A>C. VCF-style: chr11-68050008-A-C. GRCh37 (hg19) VCF-style: chr11-67817475-A-C.
Other names: c.1166A>C, p.Asn389Thr (NM_001351059.2); c.2060A>C, p.Asn687Thr (NM_001440552.1, NM_001440553.1, NM_001440554.1 and 2 more transcripts); c.2018A>C, p.Asn673Thr (NM_001440555.1, NM_001440556.1, NM_001440563.1); c.1847A>C, p.Asn616Thr (NM_001440559.1, NM_001440560.1, NM_001440561.1 and 2 more transcripts); c.1805A>C, p.Asn602Thr (NM_001440564.1); c.1760A>C, p.Asn587Thr (NM_001440565.1); c.1598A>C, p.Asn533Thr (NM_001440567.1); c.1592A>C, p.Asn531Thr (NM_001440568.1); and 2 more; short protein forms N587T, N602T, N531T, N533T, N367T, N389T, N616T, N673T.
Identifiers: ClinVar variation 4707262 (VCV004707262.1).

ClinVar aggregate classification (germline): Uncertain significance (1 of 4 stars; one submission).

Submission:

Labcorp Genetics (formerly Invitae), Labcorp
Classification: Uncertain significance. Last evaluated: 2025-02-11. Review status: criteria provided, single submitter. Criteria: Invitae Variant Classification Sherloc (09022015). Collection method: clinical testing. Allele origin: germline.
Comment: This sequence change replaces asparagine, which is neutral and polar, with threonine, which is neutral and polar, at codon 687 of the TCIRG1 protein (p.Asn687Thr). This variant is not present in population databases (gnomAD no frequency). This variant has not been reported in the literature in individuals affected with TCIRG1-related conditions. An algorithm developed to predict the effect of missense changes on protein structure and function (PolyPhen-2) suggests that this variant is likely to be tolerated. In summary, the available evidence is currently insufficient to determine the role of this variant in disease. Therefore, it has been classified as a Variant of Uncertain Significance.